The following is an entry in ClinVar:

NM_001039705.3(TRO):c.654T>A (p.Ser218Arg)

Gene: TRO (trophinin; plus strand). Cytogenetic location: Xp11.21.
Variant type: single nucleotide variant.
Coding change: c.654T>A on transcript NM_001039705.3 (MANE Select); coding-DNA position 654, T replaced by A.
Protein change: p.Ser218Arg; replaces serine 218 with arginine.
Molecular consequence: missense variant. On other transcripts: non-coding transcript variant (1), intron variant (3).
Genome position (GRCh38, 1-based): chrX:54,923,186, T>A. VCF-style: chrX-54923186-T-A. GRCh37 (hg19) VCF-style: chrX-54949619-T-A.
Other names: c.654T>A, p.Ser218Arg (NM_016157.4, NM_177556.3); c.45+895T>A (NM_001271184.2, NM_177557.3); c.-171-1265T>A (NM_001271183.2); short protein forms S218R.
Identifiers: ClinVar variation 4831711 (VCV004831711.1).

ClinVar aggregate classification (germline): Uncertain significance (1 of 4 stars; one submission).

Submission:

Ambry Genetics
Classification: Uncertain significance. Last evaluated: 2025-12-22. Review status: criteria provided, single submitter. Criteria: Ambry Variant Classification Scheme 2023. Collection method: clinical testing. Allele origin: germline.
Comment: The c.654T>A (p.S218R) alteration is located in exon 3 (coding exon 2) of the TRO gene. This alteration results from a T to A substitution at nucleotide position 654, causing the serine (S) at amino acid position 218 to be replaced by an arginine (R). Based on data from gnomAD, the A allele has an overall frequency of 0.001% (2/181063) total alleles studied. The highest observed frequency was 0.007% (2/27335) of Latino alleles. Based on insufficient or conflicting evidence, the clinical significance of this alteration remains unclear.